The following is an entry in ClinVar:

NM_002291.3(LAMB1):c.4750del (p.Ser1584fs)

Gene: LAMB1 (laminin subunit beta 1; minus strand). Cytogenetic location: 7q31.1.
Variant type: Deletion.
Coding change: c.4750del on transcript NM_002291.3 (MANE Select); coding-DNA position 4750, one base deleted (A; older notation c.4750delA).
Protein change: p.Ser1584fs; shifts the reading frame from serine 1584.
Molecular consequence: frameshift variant.
Genome position (GRCh38, 1-based): chr7:107,929,201, T deleted on the plus strand (A on the coding strand, the reverse complement: LAMB1 is on the minus strand); the first of 4 consecutive T bases (chr7:107,929,201-107,929,204); deleting any one gives the same sequence. VCF-style (leftmost placement, unchanged base first): chr7-107929200-CT-C. GRCh37 (hg19) VCF-style: chr7-107569645-CT-C.
Other names: short protein forms S1584fs.
Identifiers: ClinVar variation 4989729 (VCV004989729.1).
Genomic context (GRCh38, chr7:107,929,200, plus strand): 5'-TTTTCTGCTTCTTCCAGAGCTTCCTTTACCATATCTGCAGTGACTTTAACATCTGTTGCA[CT>C]TTTGCTGAGTAAAAAATAATGAGACAGTATATTGTTGCTGAACATGAAAAAAGTACTCTC-3'

ClinVar aggregate classification (germline): Likely pathogenic (1 of 4 stars; one submission).

Conditions:
LAMB1-related disorder. Also called: LAMB1-related condition.

Submission:

PreventionGenetics, part of Exact Sciences
Classification: Likely pathogenic for LAMB1-related condition. Last evaluated: 2026-05-18. Review status: criteria provided, single submitter. Criteria: ACMG Guidelines, 2015. Collection method: clinical testing. Allele origin: germline.
Comment: The LAMB1 c.4750delA variant is predicted to result in a frameshift and premature protein termination (p.Ser1584Valfs*12). To our knowledge, this variant has not been reported in the literature or in a large population database (gnomAD), indicating this variant is rare. Frameshift variants in LAMB1 are expected to be pathogenic. This variant is interpreted as likely pathogenic.